The following is an entry in ClinVar:

ClinVar aggregate classification (germline): Uncertain significance (1 of 4 stars; one submission).

Conditions:
Hereditary cancer-predisposing syndrome. Also called: Neoplastic Syndromes, Hereditary; Tumor predisposition; Hereditary Cancer Syndrome; Hereditary neoplastic syndrome. Identifiers: Orphanet 140162, MedGen C0027672, MeSH D009386, MONDO:0015356.

Submission:

Labcorp Genetics (formerly Invitae), Labcorp
Classification: Uncertain significance for Hereditary cancer-predisposing syndrome. Last evaluated: 2017-03-19. Review status: criteria provided, single submitter. Criteria: Invitae Variant Classification Sherloc (09022015). Collection method: clinical testing. Allele origin: germline.
Comment: This sequence change falls in intron 16 of the RAD50 gene. It does not directly change the encoded amino acid sequence of the RAD50 protein, but it affects a nucleotide within the consensus splice site of the intron. This variant is not present in population databases (ExAC no frequency) and has not been reported in the literature in individuals with a RAD50-related disease. Nucleotide substitutions within the consensus splice site are relatively common causes of aberrant splicing (PMID: 17576681, 9536098), but according to multiple splice site algorithms this particular variant is not predicted to significantly affect splicing. These predictions have not been confirmed by published functional studies. In summary, this is a novel intronic change with uncertain impact on splicing. It has been classified as a Variant of Uncertain Significance.

Literature cited by the submitters: PubMed 17576681; PubMed 9536098.

NM_005732.4(RAD50):c.2718+4A>G

Gene: RAD50 (RAD50 double strand break repair protein; plus strand). Cytogenetic location: 5q31.1.
Variant type: single nucleotide variant.
Coding change: c.2718+4A>G on transcript NM_005732.4 (MANE Select); 4 bases into the intron after coding-DNA position 2718, A replaced by G.
Molecular consequence: intron variant.
Genome position (GRCh38, 1-based): chr5:132,605,003, A>G. VCF-style: chr5-132605003-A-G. GRCh37 (hg19) VCF-style: chr5-131940695-A-G.
Identifiers: ClinVar variation 457415 (VCV000457415.7), dbSNP rs1554099205, ClinGen allele CA658657525.